The following is an entry in ClinVar:

NM_001457.4(FLNB):c.6716C>T (p.Thr2239Ile)

Gene: FLNB (filamin B; plus strand). Cytogenetic location: 3p14.3.
Variant type: single nucleotide variant.
Coding change: c.6716C>T on transcript NM_001457.4 (MANE Select); coding-DNA position 6716, C replaced by T.
Protein change: p.Thr2239Ile; replaces threonine 2239 with isoleucine.
Molecular consequence: missense variant.
Genome position (GRCh38, 1-based): chr3:58,154,872, C>T. VCF-style: chr3-58154872-C-T. GRCh37 (hg19) VCF-style: chr3-58140599-C-T.
Other names: c.6809C>T, p.Thr2270Ile (NM_001164317.2); c.6683C>T, p.Thr2228Ile (NM_001164318.2); c.6644C>T, p.Thr2215Ile (NM_001164319.2); short protein forms T2215I, T2239I, T2228I, T2270I.
Identifiers: ClinVar variation 2786560 (VCV002786560.3), dbSNP rs771430559, ClinGen allele CA2469470.
Genomic context (GRCh38, chr3:58,154,872, plus strand): 5'-GGGAAGCAGGCGCTGGAGGCCTCTCCATCGCTGTTGAGGGCCCCAGTAAGGCCGAGATTA[C>T]ATTCGATGACCATAAAAATGGGTCGTGCGGTGTATCTTATATTGCCCAAGAGCCTGGTAT-3'
Protein context (NP_001448.2, residues 2229-2249): AVEGPSKAEI[Thr2239Ile]FDDHKNGSCG

ClinVar aggregate classification (germline): Uncertain significance (1 of 4 stars; one submission).

Allele frequency attached by ClinVar (database versions not stated): ExAC 0.00001; gnomAD exomes 0.00001; TOPMed 0.00001.
gnomAD v4.1: 3 of 1,614,072 alleles (0.00019%); highest among the groups gnomAD compares: African/African-American, 0.0027%; no homozygotes.

Submission:

Labcorp Genetics (formerly Invitae), Labcorp
Classification: Uncertain significance. Last evaluated: 2024-01-25. Review status: criteria provided, single submitter. Criteria: Invitae Variant Classification Sherloc (09022015). Collection method: clinical testing. Allele origin: germline.
Comment: This sequence change replaces threonine, which is neutral and polar, with isoleucine, which is neutral and non-polar, at codon 2239 of the FLNB protein (p.Thr2239Ile). This variant is present in population databases (rs771430559, gnomAD 0.0009%). This variant has not been reported in the literature in individuals affected with FLNB-related conditions. Advanced modeling of protein sequence and biophysical properties (such as structural, functional, and spatial information, amino acid conservation, physicochemical variation, residue mobility, and thermodynamic stability) performed at Invitae indicates that this missense variant is not expected to disrupt FLNB protein function with a negative predictive value of 95%. In summary, the available evidence is currently insufficient to determine the role of this variant in disease. Therefore, it has been classified as a Variant of Uncertain Significance.